The following is an entry in ClinVar:

NM_001166108.2(PALLD):c.*107T>C

Genes: CBR4 (carbonyl reductase 4; minus strand), PALLD (palladin, cytoskeletal associated protein; plus strand). Cytogenetic location: 4q32.3.
Variant type: single nucleotide variant.
Coding change: c.*107T>C on transcript NM_001166108.2 (MANE Select); 107 bases downstream of the stop codon, T replaced by C.
Molecular consequence: 3 prime UTR variant. On other transcripts: missense variant (4).
Genome position (GRCh38, 1-based): chr4:168,926,287, T>C. VCF-style: chr4-168926287-T-C. GRCh37 (hg19) VCF-style: chr4-169847438-T-C.
Other names: c.2236T>C, p.Ser746Pro (NM_001166109.2); c.1921T>C, p.Ser641Pro (NM_001166110.2); c.*107T>C (NM_001367567.1, NM_001367570.1, NM_016081.4); c.1312T>C, p.Ser438Pro (NM_001367568.1); c.1261T>C, p.Ser421Pro (NM_001367569.1); short protein forms S421P, S746P, S641P, S438P.
Identifiers: ClinVar variation 4841861 (VCV004841861.1).

ClinVar aggregate classification (germline): Uncertain significance (1 of 4 stars; one submission).

Submission:

Ambry Genetics
Classification: Uncertain significance. Last evaluated: 2026-01-14. Review status: criteria provided, single submitter. Criteria: Ambry Variant Classification Scheme 2023. Collection method: clinical testing. Allele origin: germline.
Comment: The p.S641P variant (also known as c.1921T>C), located in coding exon 11 of the PALLD gene, results from a T to C substitution at nucleotide position 1921. The serine at codon 641 is replaced by proline, an amino acid with similar properties. This amino acid position is conserved. In addition, the in silico prediction for this alteration is inconclusive. Based on the available evidence, the clinical significance of this variant remains unclear.